The following is an entry in ClinVar:

ClinVar aggregate classification (germline): Likely pathogenic (1 of 4 stars; one submission).

Conditions:
Oculofaciocardiodental syndrome (MCOPS2). Identifiers: Orphanet 2712, MedGen C1846265, MONDO:0010261, OMIM 300166.

Submission:

Labcorp Genetics (formerly Invitae), Labcorp
Classification: Likely pathogenic for Oculofaciocardiodental syndrome. Last evaluated: 2024-01-22. Review status: criteria provided, single submitter. Criteria: Invitae Variant Classification Sherloc (09022015). Collection method: clinical testing. Allele origin: germline.
Comment: This sequence change affects an acceptor splice site in intron 8 of the BCOR gene. It is expected to disrupt RNA splicing. Variants that disrupt the donor or acceptor splice site typically lead to a loss of protein function (PMID: 16199547), and loss-of-function variants in BCOR are known to be pathogenic (PMID: 15004558, 19367324). This variant is not present in population databases (gnomAD no frequency). Disruption of this splice site has been observed in individual(s) with clinical features of oculofaciocardiodental syndrome (PMID: 19367324). This variant is also known as c.3848-1G>C. Algorithms developed to predict the effect of sequence changes on RNA splicing suggest that this variant may disrupt the consensus splice site. In summary, the currently available evidence indicates that the variant is pathogenic, but additional data are needed to prove that conclusively. Therefore, this variant has been classified as Likely Pathogenic.

Literature cited by the submitters: PubMed 16199547; PubMed 15004558; PubMed 19367324.

NM_001123385.2(BCOR):c.3848-1G>A

Gene: BCOR (BCL6 corepressor; minus strand). Cytogenetic location: Xp11.4.
Variant type: single nucleotide variant.
Coding change: c.3848-1G>A on transcript NM_001123385.2 (MANE Select); the canonical splice acceptor site of the intron before coding-DNA position 3848, G replaced by A.
Molecular consequence: splice acceptor variant.
Genome position (GRCh38, 1-based): chrX:40,063,072, C>T on the plus strand (G>A on the coding strand, the complement: BCOR is on the minus strand). VCF-style: chrX-40063072-C-T. GRCh37 (hg19) VCF-style: chrX-39922325-C-T.
Other names: c.3692-1G>A (NM_001123384.2); c.3794-1G>A (NM_001438207.1); c.3746-1G>A (NM_001123383.2, NM_001438208.1, NM_017745.6); c.3848-1G>A (NM_001437510.1, NM_001437511.1).
Identifiers: ClinVar variation 3671903 (VCV003671903.2).